The following is an entry in ClinVar:

NM_001843.4(CNTN1):c.1664A>G (p.His555Arg)

Gene: CNTN1 (contactin 1; plus strand). Cytogenetic location: 12q12.
Variant type: single nucleotide variant.
Coding change: c.1664A>G on transcript NM_001843.4 (MANE Select); coding-DNA position 1664, A replaced by G.
Protein change: p.His555Arg; replaces histidine 555 with arginine.
Molecular consequence: missense variant.
Genome position (GRCh38, 1-based): chr12:40,944,151, A>G. VCF-style: chr12-40944151-A-G. GRCh37 (hg19) VCF-style: chr12-41337953-A-G.
Other names: c.1664A>G, p.His555Arg (NM_001256063.2, NM_001256064.2); c.1631A>G, p.His544Arg (NM_175038.2); short protein forms H544R, H555R.
Identifiers: ClinVar variation 1017432 (VCV001017432.9), dbSNP rs761803826, ClinGen allele CA6516908.

ClinVar aggregate classification (germline): Uncertain significance (1 of 4 stars; one submission).

Conditions:
Compton-North congenital myopathy (CMYO12). Identifiers: Orphanet 210163, MedGen C2675527, MONDO:0012929, OMIM 612540.

Allele frequency attached by ClinVar (database versions not stated): ExAC 0.00002; gnomAD exomes 0.00002.
gnomAD v4.1: 34 of 1,613,192 alleles (0.0021%); highest among the groups gnomAD compares: East Asian, 0.069%; no homozygotes.

Submission:

Labcorp Genetics (formerly Invitae), Labcorp
Classification: Uncertain significance for Compton-North congenital myopathy. Last evaluated: 2020-07-24. Review status: criteria provided, single submitter. Criteria: Invitae Variant Classification Sherloc (09022015). Collection method: clinical testing. Allele origin: germline.
Comment: This sequence change replaces histidine with arginine at codon 555 of the CNTN1 protein (p.His555Arg). The histidine residue is highly conserved and there is a small physicochemical difference between histidine and arginine. This variant is present in population databases (rs761803826, ExAC 0.02%). This variant has not been reported in the literature in individuals with CNTN1-related conditions. Algorithms developed to predict the effect of missense changes on protein structure and function (SIFT, PolyPhen-2, Align-GVGD) all suggest that this variant is likely to be disruptive, but these predictions have not been confirmed by published functional studies and their clinical significance is uncertain. In summary, the available evidence is currently insufficient to determine the role of this variant in disease. Therefore, it has been classified as a Variant of Uncertain Significance.